The following is an entry in ClinVar:

NM_152906.7(TANGO2):c.517C>T (p.Leu173Phe)

Gene: TANGO2 (transport and golgi organization 2 homolog; plus strand). Cytogenetic location: 22q11.21.
Variant type: single nucleotide variant.
Coding change: c.517C>T on transcript NM_152906.7 (MANE Select); coding-DNA position 517, C replaced by T.
Protein change: p.Leu173Phe; replaces leucine 173 with phenylalanine.
Molecular consequence: missense variant. On other transcripts: non-coding transcript variant (3), intron variant (4).
Genome position (GRCh38, 1-based): chr22:20,061,595, C>T. VCF-style: chr22-20061595-C-T. GRCh37 (hg19) VCF-style: chr22-20049118-C-T.
Other names: c.517C>T, p.Leu173Phe (NM_001283106.3, NM_001283116.3, NM_001283148.3 and 2 more transcripts); c.640C>T, p.Leu214Phe (NM_001283129.3, NM_001322141.2, NM_001322143.2 and 1 more transcripts); c.331C>T, p.Leu111Phe (NM_001283179.3, NM_001283186.3, NM_001322163.2 and 3 more transcripts); c.223C>T, p.Leu75Phe (NM_001283235.3, NM_001322150.2, NM_001322153.2 and 6 more transcripts); c.454C>T, p.Leu152Phe (NM_001322145.2, NM_001322147.2); c.415C>T, p.Leu139Phe (NM_001322146.2, NM_001322148.2, NM_001322160.2); c.381-1743C>T (NM_001283199.3); c.575-2947C>T (NM_001283215.3); and 3 more; short protein forms L111F, L139F, L152F, L173F, L214F, L75F.
Identifiers: ClinVar variation 1631796 (VCV001631796.9), dbSNP rs202222434, ClinGen allele CA10106473.
Genomic context (GRCh38, chr22:20,061,595, plus strand): 5'-TACGGGCTGAGCAACGCGCTGCTGGAGACTCCCTGGAGGAAGCTGTGCTTTGGGAAGCAG[C>T]TCTTCCTGGAGGCTGTGGAACGGAGCCAGGCGCTGCCCAAGGATGTGCTCATCGCCAGCC-3'
Protein context (NP_690870.3, residues 163-183): PWRKLCFGKQ[Leu173Phe]FLEAVERSQA

ClinVar aggregate classification (germline): Likely benign. Review status: criteria provided, single submitter (1 of 4 stars). 2 submissions from 2 submitters: Likely benign (1). 1 of the submissions does not count toward it. Last evaluated 2026-01-19.

Conditions:
TANGO2-related disorder. Also called: TANGO2-related condition.

Allele frequency attached by ClinVar (database versions not stated): gnomAD 0.00007 and 0.00013; gnomAD exomes 0.00007 and 0.00024; TOPMed 0.00010; ExAC 0.00037; 1000 Genomes Project 30x 0.00094; 1000 Genomes Project 0.00100.
gnomAD v4.1: 117 of 1,596,398 alleles (0.0073%); highest among the groups gnomAD compares: East Asian, 0.19%; no homozygotes.

Submissions (2):

Labcorp Genetics (formerly Invitae), Labcorp
Classification: Likely benign. Last evaluated: 2026-01-19. Review status: criteria provided, single submitter. Criteria: Invitae Variant Classification Sherloc (09022015). Collection method: clinical testing. Allele origin: germline.

PreventionGenetics, part of Exact Sciences
Classification: Likely benign for TANGO2-related condition. Last evaluated: 2024-08-20. Review status: no assertion criteria provided. Collection method: clinical testing. Allele origin: germline. Not counted in ClinVar's aggregate classification.
Comment: This variant is classified as likely benign based on ACMG/AMP sequence variant interpretation guidelines (Richards et al. 2015 PMID: 25741868, with internal and published modifications).